The following is an entry in ClinVar:

NM_003106.4(SOX2):c.215G>A (p.Ser72Asn)

Genes: SOX2 (SRY-box transcription factor 2; plus strand), SOX2-OT (SOX2 overlapping transcript; plus strand), LOC108281177 (SOX2 5' regulatory region; plus strand). Cytogenetic location: 3q26.33.
Variant type: single nucleotide variant.
Coding change: c.215G>A on transcript NM_003106.4 (MANE Select); coding-DNA position 215, G replaced by A.
Protein change: p.Ser72Asn; replaces serine 72 with asparagine.
Molecular consequence: missense variant.
Genome position (GRCh38, 1-based): chr3:181,712,575, G>A. VCF-style: chr3-181712575-G-A. GRCh37 (hg19) VCF-style: chr3-181430363-G-A.
Other names: short protein forms S72N.
Identifiers: ClinVar variation 4812909 (VCV004812909.1).

ClinVar aggregate classification (germline): Uncertain significance (1 of 4 stars; one submission).

Submission:

GeneDx
Classification: Uncertain significance. Last evaluated: 2025-08-22. Review status: criteria provided, single submitter. Criteria: GeneDx Variant Classification Process June 2021. Collection method: clinical testing. Allele origin: germline. Affected: yes.
Comment: Not observed at significant frequency in large population cohorts (gnomAD); In silico analysis supports that this missense variant has a deleterious effect on protein structure/function; Has not been previously published as pathogenic or benign to our knowledge